The following is an entry in ClinVar:

NM_001267550.2(TTN):c.6400dup (p.Cys2134fs)

Gene: TTN (titin; minus strand). Cytogenetic location: 2q31.2.
Variant type: Duplication.
Coding change: c.6400dup on transcript NM_001267550.2 (MANE Select); coding-DNA position 6400, one base duplicated (T; older notation c.6400dupT).
Protein change: p.Cys2134fs; shifts the reading frame from cysteine 2134.
Molecular consequence: frameshift variant.
Genome position (GRCh38, 1-based): chr2:178,775,464, A duplicated on the plus strand (T on the coding strand, the reverse complement: TTN is on the minus strand); the first of 3 consecutive A bases (chr2:178,775,464-178,775,466); duplicating any one gives the same sequence. VCF-style (leftmost placement, unchanged base first): chr2-178775463-C-CA. GRCh37 (hg19) VCF-style: chr2-179640190-C-CA.
Other names: c.6400dup, p.Cys2134fs (NM_001256850.1, NM_133378.4, NM_133379.5); c.6262dup, p.Cys2088fs (NM_003319.4, NM_133432.3, NM_133437.4); short protein forms C2088fs, C2134fs.
Identifiers: ClinVar variation 3755608 (VCV003755608.2).

ClinVar aggregate classification (germline): Likely pathogenic (1 of 4 stars; one submission).

Conditions:
Dilated cardiomyopathy 1G (CMD1G). Identifiers: Orphanet 154, MedGen C1858763, MONDO:0011400, OMIM 604145.
Autosomal recessive limb-girdle muscular dystrophy type 2J (LGMDR10). Also called: Limb-girdle muscular dystrophy, type 2J; MUSCULAR DYSTROPHY, LIMB-GIRDLE, AUTOSOMAL RECESSIVE 10. Identifiers: Orphanet 140922, MedGen C1837342, MONDO:0012127, OMIM 608807.

Submission:

Labcorp Genetics (formerly Invitae), Labcorp
Classification: Likely pathogenic for Dilated cardiomyopathy 1G; Autosomal recessive limb-girdle muscular dystrophy type 2J. Last evaluated: 2024-05-10. Review status: criteria provided, single submitter. Criteria: Invitae Variant Classification Sherloc (09022015). Collection method: clinical testing. Allele origin: germline.
Comment: This sequence change creates a premature translational stop signal (p.Cys2134Leufs*2) in the TTN gene. While this is not anticipated to result in nonsense mediated decay, it is expected to create a truncated TTN protein. This variant is not present in population databases (gnomAD no frequency). This variant has not been reported in the literature in individuals affected with TTN-related conditions. This variant is located in the Z band of TTN (PMID: 25589632). Truncating variants in this region have been reported in individuals affected with autosomal recessive centronuclear myopathy (PMID: 33449170, Invitae internal data). Truncating variants in this region have also been identified in individuals affected with autosomal dominant dilated cardiomyopathy and/or cardio-related conditions (PMID: 27869827, 32964742, Invitae internal data). In summary, the currently available evidence indicates that the variant is pathogenic, but additional data are needed to prove that conclusively. Therefore, this variant has been classified as Likely Pathogenic.

Literature cited by the submitters: PubMed 25589632; PubMed 33449170; PubMed 27869827; PubMed 32964742.